The following is an entry in ClinVar:

NC_000012.12:g.6943879C>T

Genes: C12orf57 (chromosome 12 open reading frame 57; plus strand), RNU7-1 (RNA, U7 small nuclear 1; plus strand). Cytogenetic location: 12p13.31.
Variant type: single nucleotide variant.
Molecular consequence: intron variant (on NM_001301836.2).
Genome position: GRCh38 VCF-style: chr12-6943879-C-T. GRCh37 (hg19) VCF-style: chr12-7053042-C-T.
Other names: c.13+217C>T (NM_001301836.2); c.-16+217C>T (NM_001301834.1).
Identifiers: ClinVar variation 4980161 (VCV004980161.1).

ClinVar aggregate classification (germline): Likely benign (1 of 4 stars; one submission).

Conditions:
RNU7-1-related condition.

gnomAD v4.1: 909 of 1,006,152 alleles (0.09%); highest among the groups gnomAD compares: African/African-American, 0.5%; no homozygotes.

Submission:

PreventionGenetics, part of Exact Sciences
Classification: Likely benign for RNU7-1-related condition. Last evaluated: 2026-06-28. Review status: criteria provided, single submitter. Criteria: ACMG Guidelines, 2015. Collection method: clinical testing. Allele origin: germline.
Comment: This variant is classified as likely benign based on ACMG/AMP sequence variant interpretation guidelines (Richards et al. 2015 PMID: 25741868, with internal and published modifications).